The following is an entry in ClinVar:

ClinVar aggregate classification (germline): Uncertain significance (1 of 4 stars; one submission).

gnomAD v4.1: 4 of 1,602,750 alleles (0.00025%); highest among the groups gnomAD compares: Non-Finnish European, 0.00034%; no homozygotes.

Submission:

Labcorp Genetics (formerly Invitae), Labcorp
Classification: Uncertain significance. Last evaluated: 2025-06-03. Review status: criteria provided, single submitter. Criteria: Invitae Variant Classification Sherloc (09022015). Collection method: clinical testing. Allele origin: germline.
Comment: This sequence change replaces phenylalanine, which is neutral and non-polar, with cysteine, which is neutral and slightly polar, at codon 1350 of the CDH23 protein (p.Phe1350Cys). This variant is present in population databases (rs780799103, gnomAD 0.001%). This variant has not been reported in the literature in individuals affected with CDH23-related conditions. Invitae Evidence Modeling of protein sequence and biophysical properties (such as structural, functional, and spatial information, amino acid conservation, physicochemical variation, residue mobility, and thermodynamic stability) has been performed for this missense variant. However, the output from this modeling did not meet the statistical confidence thresholds required to predict the impact of this variant on CDH23 protein function. In summary, the available evidence is currently insufficient to determine the role of this variant in disease. Therefore, it has been classified as a Variant of Uncertain Significance.

NM_022124.6(CDH23):c.4049T>G (p.Phe1350Cys)

Genes: C10orf105 (chromosome 10 open reading frame 105; minus strand), CDH23 (cadherin related 23; plus strand). Cytogenetic location: 10q22.1.
Variant type: single nucleotide variant.
Coding change: c.4049T>G on transcript NM_022124.6 (MANE Select); coding-DNA position 4049, T replaced by G.
Protein change: p.Phe1350Cys; replaces phenylalanine 1350 with cysteine.
Molecular consequence: missense variant. On other transcripts: intron variant (1).
Genome position (GRCh38, 1-based): chr10:71,732,320, T>G. VCF-style: chr10-71732320-T-G. GRCh37 (hg19) VCF-style: chr10-73492077-T-G.
Other names: c.4049T>G, p.Phe1350Cys (NM_001171930.2); c.-6+5408A>C (NM_001168390.2); short protein forms F1350C.
Identifiers: ClinVar variation 4810630 (VCV004810630.1).